The following is an entry in ClinVar:

NM_004360.5(CDH1):c.2371C>T (p.Leu791Phe)

Gene: CDH1 (cadherin 1; plus strand). Cytogenetic location: 16q22.1.
Variant type: single nucleotide variant.
Coding change: c.2371C>T on transcript NM_004360.5 (MANE Select); coding-DNA position 2371, C replaced by T.
Protein change: p.Leu791Phe; replaces leucine 791 with phenylalanine.
Molecular consequence: missense variant.
Genome position (GRCh38, 1-based): chr16:68,829,729, C>T. VCF-style: chr16-68829729-C-T. GRCh37 (hg19) VCF-style: chr16-68863632-C-T.
Other names: c.2188C>T, p.Leu730Phe (NM_001317184.2); c.823C>T, p.Leu275Phe (NM_001317185.2); c.406C>T, p.Leu136Phe (NM_001317186.2); c.2371C>T (LRG_301t1); short protein forms L791F, L275F, L136F, L730F.
Identifiers: ClinVar variation 185969 (VCV000185969.29), dbSNP rs786202598, ClinGen allele CA193525.
Genomic context (GRCh38, chr16:68,829,729, plus strand): 5'-CAGCTGCACAGGGGCCTGGACGCTCGGCCTGAAGTGACTCGTAACGACGTTGCACCAACC[C>T]TCATGAGTGTCCCCCGGTATCTTCCCCGCCCTGCCAATCCCGATGAAATTGGAAATTTTA-3'
Protein context (NP_004351.1, residues 781-801): EVTRNDVAPT[Leu791Phe]MSVPRYLPRP

ClinVar aggregate classification (germline): Conflicting classifications of pathogenicity. Review status: criteria provided, conflicting classifications (1 of 4 stars). 10 submissions from 10 submitters: Uncertain significance (7); Likely benign (1). 2 of the submissions do not count toward it. Last evaluated 2025-10-15.

Conditions:
Familial cancer of breast. Also called: hereditary breast carcinoma; BREAST CANCER, FAMILIAL; Hereditary breast cancer. Identifiers: Orphanet 227535, MedGen C0346153, MONDO:0016419, OMIM 114480. Disease mechanism: loss of function.
Hereditary diffuse gastric adenocarcinoma (HDGC). Also called: DIFFUSE GASTRIC AND LOBULAR BREAST CANCER SYNDROME. Identifiers: Orphanet 26106, MedGen C1708349, MONDO:0007648, OMIM 137215.
Endometrial carcinoma. Also called: Endometrial carcinoma, somatic. Identifiers: MedGen C0476089, MONDO:0002447, OMIM 608089, HP:0012114.
Ovarian neoplasm. Also called: Neoplasm of ovary; Ovarian tumor; Ovarian Neoplasms. Identifiers: MedGen C0919267, MeSH D010051, MONDO:0021068, HP:0100615.
Prostate cancer. Also called: Malignant tumor of prostate. Identifiers: Orphanet 1331, MedGen C0376358, MONDO:0008315, HP:0012125.
Blepharocheilodontic syndrome 1 (BCDS1). Identifiers: Orphanet 1997, MedGen C4551988, MONDO:0054740, OMIM 119580.
Hereditary cancer-predisposing syndrome. Also called: Neoplastic Syndromes, Hereditary; Hereditary neoplastic syndrome; Hereditary Cancer Syndrome; Tumor predisposition. Identifiers: Orphanet 140162, MedGen C0027672, MeSH D009386, MONDO:0015356.

Allele frequency attached by ClinVar (database versions not stated): gnomAD 0.00002; gnomAD exomes 0.00001 and below 0.00001; TOPMed 0.00001.
gnomAD v4.1: 24 of 1,614,008 alleles (0.0015%); highest among the groups gnomAD compares: African/African-American, 0.011%; no homozygotes.

Submissions (10):

Color Diagnostics, LLC DBA Color Health
Classification: Uncertain significance for Hereditary cancer-predisposing syndrome. Last evaluated: 2025-10-15. Review status: criteria provided, single submitter. Criteria: ACMG Guidelines, 2015. Collection method: clinical testing. Allele origin: germline.
Comment: This missense variant replaces leucine with phenylalanine at codon 791 of the CDH1 protein. To our knowledge, functional studies have not been reported for this variant. This variant has been reported in two individuals affected with breast cancer and an individual affected with rectal cancer (PMID: 27978560, 36436516). This variant has been detected in 1 individual older than age 70 years who has never had cancer (FLOSSIES database). This variant has been identified in 1/251468 chromosomes in the general population by the Genome Aggregation Database (gnomAD). The available evidence is insufficient to determine the role of this variant in disease conclusively. Therefore, this variant is classified as a Variant of Uncertain Significance.

Labcorp Genetics (formerly Invitae), Labcorp
Classification: Uncertain significance for Hereditary diffuse gastric adenocarcinoma. Last evaluated: 2025-10-09. Review status: criteria provided, single submitter. Criteria: Invitae Variant Classification Sherloc (09022015). Collection method: clinical testing. Allele origin: germline.
Comment: This sequence change replaces leucine, which is neutral and non-polar, with phenylalanine, which is neutral and non-polar, at codon 791 of the CDH1 protein (p.Leu791Phe). This variant is present in population databases (rs786202598, gnomAD 0.0009%). This missense change has been observed in individual(s) with rectal cancer (PMID: 27978560). ClinVar contains an entry for this variant (Variation ID: 185969). An algorithm developed to predict the effect of missense changes on protein structure and function (PolyPhen-2) suggests that this variant is likely to be disruptive. In summary, the available evidence is currently insufficient to determine the role of this variant in disease. Therefore, it has been classified as a Variant of Uncertain Significance.

GeneDx
Classification: Uncertain significance. Last evaluated: 2025-05-22. Review status: criteria provided, single submitter. Criteria: GeneDx Variant Classification Process June 2021. Collection method: clinical testing. Allele origin: germline.
Comment: Not observed at significant frequency in large population cohorts (gnomAD); In silico analysis suggests that this missense variant does not alter protein structure/function; This variant is associated with the following publications: (PMID: 22850631, 32019277, 15235021, 27978560, 36436516)

Baylor Genetics
Classification: Uncertain significance for Familial cancer of breast. Last evaluated: 2024-01-14. Review status: criteria provided, single submitter. Criteria: ACMG Guidelines, 2015. Collection method: clinical testing. Allele origin: unknown.

Myriad Genetics, Inc.
Classification: Uncertain significance for Hereditary diffuse gastric adenocarcinoma. Last evaluated: 2023-03-03. Review status: criteria provided, single submitter. Criteria: Myriad Autosomal Dominant, Autosomal Recessive and X-Linked Classification Criteria (2023). Collection method: clinical testing. Allele origin: unknown.
Comment: This variant is classified as a variant of uncertain significance as there is insufficient evidence to determine its impact on protein function and/or cancer risk.

European Reference Network on Genetic Tumour Risk Syndromes (ERN-GENTURIS), i3s - Instituto de Investigação e Inovação em Saúde, University of Porto
Classification: Uncertain significance for Hereditary diffuse gastric adenocarcinoma. Last evaluated: 2022-08-01. Review status: criteria provided, single submitter. Criteria: Lee et al. (Hum Mutat. 2018). Collection method: clinical testing. Allele origin: germline. Inheritance: Autosomal dominant inheritance. Affected: no. Study: ERN GENTURIS.
Comment: PM2; BS2_Supporting (PMID: 30311375)

Ambry Genetics
Classification: Likely benign for Hereditary cancer-predisposing syndrome. Last evaluated: 2021-11-15. Review status: criteria provided, single submitter. Criteria: Ambry Variant Classification Scheme 2023. Collection method: clinical testing. Allele origin: germline.

Fulgent Genetics
Classification: Uncertain significance for Familial cancer of breast; Blepharocheilodontic syndrome 1; Hereditary diffuse gastric adenocarcinoma; Ovarian cancer; Familial prostate cancer; Endometrial carcinoma. Last evaluated: 2021-10-19. Review status: criteria provided, single submitter. Criteria: ACMG Guidelines, 2015. Collection method: clinical testing. Allele origin: unknown.

Counsyl
Classification: Uncertain significance for Hereditary diffuse gastric adenocarcinoma. Last evaluated: 2015-12-01. Review status: no assertion criteria provided. Collection method: clinical testing. Allele origin: unknown. Not counted in ClinVar's aggregate classification.

Department of Pathology and Laboratory Medicine, Sinai Health System
Classification: Uncertain significance. Review status: no assertion criteria provided. Collection method: clinical testing. Allele origin: unknown. Affected: yes. Study: The Canadian Open Genetics Repository (COGR). Not counted in ClinVar's aggregate classification.
Comment: The CDH1 p.Leu791Phe variant was not identified in the literature nor was it identified in the Cosmic, MutDB, Insight Colon Cancer Gene Variant Database, or the Zhejiang University Database. The variant was identified in dbSNP (ID: rs786202598) as â€šÃ„ÃºWith Uncertain significance alleleâ€šÃ„Ã¹, ClinVar (as uncertain significance by Ambry Genetics, Invitae, and Counsyl), and Clinvitae (2x as in ClinVar). The variant was identified in control databases in 1 of 246242 chromosomes at a frequency of 0.000004 (Genome Aggregation Database Feb 27, 2017). It was observed in the European (Non-Finnish) population in 1 of 111698 chromosomes (freq: 0.000009); it was not observed in the African, Other, Latino, Ashkenazi Jewish, East Asian, Finnish, and South Asian populations. The p.Leu791Phe residue is not conserved in mammals and computational analyses (PolyPhen-2, SIFT, AlignGVGD, BLOSUM, MutationTaster) do not suggest a high likelihood of impact to the protein; however, this information is not predictive enough to rule out pathogenicity. The variant amino acid Phenylalanine (Phe) is present in green spotted pufferfish, increasing the likelihood that this variant does not have clinical significance. The variant occurs outside of the splicing consensus sequence and in silico or computational prediction software programs (SpliceSiteFinder, MaxEntScan, NNSPLICE, GeneSplicer, HumanSpliceFinder) do not predict a difference in splicing. In summary, based on the above information the clinical significance of this variant cannot be determined with certainty at this time. This variant is classified as a variant of uncertain significance.

Literature cited by the submitters: PubMed 27978560 (cited by 3 submitters); PubMed 36436516 (cited by Color Diagnostics, LLC DBA Color Health and European Reference Network on Genetic Tumour Risk Syndromes (ERN-GENTURIS), i3s - Instituto de Investigação e Inovação em Saúde, University of Porto).